The following is an entry in ClinVar:

NM_002227.4(JAK1):c.2649+161G>T

Gene: JAK1 (Janus kinase 1; minus strand). Cytogenetic location: 1p31.3.
Variant type: single nucleotide variant.
Coding change: c.2649+161G>T on transcript NM_002227.4 (MANE Select); 161 bases into the intron after coding-DNA position 2649, G replaced by T.
Molecular consequence: intron variant.
Genome position (GRCh38, 1-based): chr1:64,841,084, C>A on the plus strand (G>T on the coding strand, the complement: JAK1 is on the minus strand). VCF-style: chr1-64841084-C-A. GRCh37 (hg19) VCF-style: chr1-65306767-C-A.
Other names: c.2649+161G>T (NM_001321852.2, NM_001321854.2, NM_001321853.2 and 3 more transcripts); c.2646+161G>T (NM_001321857.2).
Identifiers: ClinVar variation 4881827 (VCV004881827.2).

ClinVar aggregate classification (germline): Uncertain significance (1 of 4 stars; one submission).

gnomAD v4.1: 13 of 152,260 alleles (0.0085%); highest among the groups gnomAD compares: African/African-American, 0.029%; no homozygotes.

Submission:

Dasa
Classification: Uncertain significance. Last evaluated: 2026-02-10. Review status: criteria provided, single submitter. Criteria: DASA Assertion Criteria. Collection method: clinical testing. Allele origin: germline.
Comment: NM_002227.4(JAK1):c.2649+161G>T is an intronic variant. This variant is rare in population databases. The currently available literature and clinical evidence are not sufficient to establish a definitive association between this variant and the reported condition. Therefore, this variant is classified as a variant of uncertain significance.